The following is an entry in ClinVar:

ClinVar aggregate classification (germline): Uncertain significance (1 of 4 stars; one submission).

gnomAD v4.1: 6 of 1,603,724 alleles (0.00037%); highest among the groups gnomAD compares: African/African-American, 0.0054%; no homozygotes.

Submission:

Ambry Genetics
Classification: Uncertain significance. Last evaluated: 2024-12-05. Review status: criteria provided, single submitter. Criteria: Ambry Variant Classification Scheme 2023. Collection method: clinical testing. Allele origin: germline.
Comment: The p.S1877L variant (also known as c.5630C>T), located in coding exon 22 of the WNK2 gene, results from a C to T substitution at nucleotide position 5630. The serine at codon 1877 is replaced by leucine, an amino acid with dissimilar properties. This amino acid position is conserved. In addition, this alteration is predicted to be deleterious by in silico analysis. Based on the available evidence, the clinical significance of this variant remains unclear.

NM_006648.4(WNK2):c.5630C>T (p.Ser1877Leu)

Gene: WNK2 (WNK lysine deficient protein kinase 2; plus strand). Cytogenetic location: 9q22.31.
Variant type: single nucleotide variant.
Coding change: c.5630C>T on transcript NM_006648.4 (MANE Select); coding-DNA position 5630, C replaced by T.
Protein change: p.Ser1877Leu; replaces serine 1877 with leucine.
Molecular consequence: missense variant.
Genome position (GRCh38, 1-based): chr9:93,293,095, C>T. VCF-style: chr9-93293095-C-T. GRCh37 (hg19) VCF-style: chr9-96055377-C-T.
Other names: c.5741C>T, p.Ser1914Leu (NM_001282394.3); short protein forms S1877L, S1914L.
Identifiers: ClinVar variation 3470590 (VCV003470590.1).